The following is an entry in ClinVar:

NM_002878.4(RAD51D):c.806G>T (p.Ser269Ile)

Genes: RAD51D (RAD51 paralog D; minus strand), RAD51L3-RFFL (RAD51L3-RFFL readthrough; minus strand). Cytogenetic location: 17q12.
Variant type: single nucleotide variant.
Coding change: c.806G>T on transcript NM_002878.4 (MANE Select); coding-DNA position 806, G replaced by T.
Protein change: p.Ser269Ile; replaces serine 269 with isoleucine.
Molecular consequence: missense variant. On other transcripts: non-coding transcript variant (3).
Genome position (GRCh38, 1-based): chr17:35,101,298, C>A on the plus strand (G>T on the coding strand, the complement: RAD51D is on the minus strand). VCF-style: chr17-35101298-C-A. GRCh37 (hg19) VCF-style: chr17-33428317-C-A.
Other names: c.866G>T, p.Ser289Ile (NM_001142571.2); c.470G>T, p.Ser157Ile (NM_133629.3); short protein forms S269I, S157I, S289I.
Identifiers: ClinVar variation 230772 (VCV000230772.10), dbSNP rs876658762, ClinGen allele CA10580445.

ClinVar aggregate classification (germline): Uncertain significance. Review status: criteria provided, multiple submitters, no conflicts (2 of 4 stars). 2 submissions from 2 submitters: Uncertain significance (2). Last evaluated 2023-08-05.

Conditions:
Hereditary cancer-predisposing syndrome. Also called: Neoplastic Syndromes, Hereditary; Tumor predisposition; Hereditary Cancer Syndrome; Hereditary neoplastic syndrome. Identifiers: Orphanet 140162, MedGen C0027672, MeSH D009386, MONDO:0015356.
Breast-ovarian cancer, familial, susceptibility to, 4. Identifiers: Orphanet 145, MedGen C3280345, MONDO:0013669, OMIM 614291.

Submissions (2):

Ambry Genetics
Classification: Uncertain significance for Hereditary cancer-predisposing syndrome. Last evaluated: 2023-08-05. Review status: criteria provided, single submitter. Criteria: Ambry Variant Classification Scheme 2023. Collection method: clinical testing. Allele origin: germline.
Comment: The p.S269I variant (also known as c.806G>T), located in coding exon 9 of the RAD51D gene, results from a G to T substitution at nucleotide position 806. The serine at codon 269 is replaced by isoleucine, an amino acid with dissimilar properties. This amino acid position is highly conserved in available vertebrate species. In addition, this alteration is predicted to be deleterious by in silico analysis.Since supporting evidence is limited at this time, the clinical significance of this alteration remains unclear.

Labcorp Genetics (formerly Invitae), Labcorp
Classification: Uncertain significance for Breast-ovarian cancer, familial, susceptibility to, 4. Last evaluated: 2021-12-28. Review status: criteria provided, single submitter. Criteria: Invitae Variant Classification Sherloc (09022015). Collection method: clinical testing. Allele origin: germline.
Comment: Algorithms developed to predict the effect of missense changes on protein structure and function are either unavailable or do not agree on the potential impact of this missense change (SIFT: "Deleterious"; PolyPhen-2: "Probably Damaging"; Align-GVGD: "Class C15"). In summary, the available evidence is currently insufficient to determine the role of this variant in disease. Therefore, it has been classified as a Variant of Uncertain Significance. This sequence change replaces serine, which is neutral and polar, with isoleucine, which is neutral and non-polar, at codon 269 of the RAD51D protein (p.Ser269Ile). This variant is not present in population databases (gnomAD no frequency). This variant has not been reported in the literature in individuals affected with RAD51D-related conditions. ClinVar contains an entry for this variant (Variation ID: 230772).